The following is an entry in ClinVar:

NM_058172.6(ANTXR2):c.1311C>T (p.His437=)

Gene: ANTXR2 (ANTXR cell adhesion molecule 2; minus strand). Cytogenetic location: 4q21.21.
Variant type: single nucleotide variant.
Coding change: c.1311C>T on transcript NM_058172.6 (MANE Select); coding-DNA position 1311, C replaced by T.
Protein change: p.His437=; no amino-acid change (histidine 437 retained).
Molecular consequence: synonymous variant.
Genome position (GRCh38, 1-based): chr4:79,978,043, G>A on the plus strand (C>T on the coding strand, the complement: ANTXR2 is on the minus strand). VCF-style: chr4-79978043-G-A. GRCh37 (hg19) VCF-style: chr4-80899197-G-A.
Other names: c.1311C>T, p.His437= (NM_001145794.2); c.1080C>T, p.His360= (NM_001286780.2, NM_001286781.2).
Identifiers: ClinVar variation 723398 (VCV000723398.5), dbSNP rs950616323, ClinGen allele CA100494788.

ClinVar aggregate classification (germline): Likely benign. Review status: criteria provided, single submitter (1 of 4 stars). 2 submissions from 2 submitters: Likely benign (1). 1 of the submissions does not count toward it. Last evaluated 2017-12-19.

Conditions:
ANTXR2-related disorder. Also called: ANTXR2-related condition.

Allele frequency attached by ClinVar (database versions not stated): TOPMed 0.00001; gnomAD exomes below 0.00001.
gnomAD v4.1: 14 of 1,609,288 alleles (0.00087%); highest among the groups gnomAD compares: East Asian, 0.0067%; no homozygotes.

Submissions (2):

Labcorp Genetics (formerly Invitae), Labcorp
Classification: Likely benign. Last evaluated: 2017-12-19. Review status: criteria provided, single submitter. Criteria: Invitae Variant Classification Sherloc (09022015). Collection method: clinical testing. Allele origin: germline.

PreventionGenetics, part of Exact Sciences
Classification: Likely benign for ANTXR2-related condition. Last evaluated: 2019-07-30. Review status: no assertion criteria provided. Collection method: clinical testing. Allele origin: germline. Not counted in ClinVar's aggregate classification.
Comment: This variant is classified as likely benign based on ACMG/AMP sequence variant interpretation guidelines (Richards et al. 2015 PMID: 25741868, with internal and published modifications).